The following is an entry in ClinVar:

NM_001162501.2(TNRC6B):c.4193A>G (p.Gln1398Arg)

Gene: TNRC6B (trinucleotide repeat containing adaptor 6B; plus strand). Cytogenetic location: 22q13.1.
Variant type: single nucleotide variant.
Coding change: c.4193A>G on transcript NM_001162501.2 (MANE Select); coding-DNA position 4193, A replaced by G.
Protein change: p.Gln1398Arg; replaces glutamine 1398 with arginine.
Molecular consequence: missense variant.
Genome position (GRCh38, 1-based): chr22:40,308,584, A>G. VCF-style: chr22-40308584-A-G. GRCh37 (hg19) VCF-style: chr22-40704588-A-G.
Other names: c.1781A>G, p.Gln594Arg (NM_001024843.2); c.3863A>G, p.Gln1288Arg (NM_015088.3); short protein forms Q1288R, Q1398R, Q594R.
Identifiers: ClinVar variation 4082788 (VCV004082788.1).

ClinVar aggregate classification (germline): Uncertain significance (1 of 4 stars; one submission).

gnomAD v4.1: 1 of 1,614,014 alleles (0.000062%); highest among the groups gnomAD compares: South Asian, 0.0011%; no homozygotes.

Submission:

GeneDx
Classification: Uncertain significance. Last evaluated: 2025-03-03. Review status: criteria provided, single submitter. Criteria: GeneDx Variant Classification Process June 2021. Collection method: clinical testing. Allele origin: germline. Affected: yes.
Comment: Not observed at significant frequency in large population cohorts (gnomAD); In silico analysis indicates that this missense variant does not alter protein structure/function; Has not been previously published as pathogenic or benign to our knowledge